The following is an entry in ClinVar:

ClinVar aggregate classification (germline): Uncertain significance. Review status: criteria provided, multiple submitters, no conflicts (2 of 4 stars). 2 submissions from 2 submitters: Uncertain significance (2). Last evaluated 2025-12-11.

Allele frequency attached by ClinVar (database versions not stated): gnomAD exomes 0.00001; TOPMed 0.00003; ExAC 0.00006.
gnomAD v4.1: 19 of 1,609,950 alleles (0.0012%); highest among the groups gnomAD compares: Admixed American, 0.027%; no homozygotes.

Submissions (2):

Labcorp Genetics (formerly Invitae), Labcorp
Classification: Uncertain significance. Last evaluated: 2025-12-11. Review status: criteria provided, single submitter. Criteria: Invitae Variant Classification Sherloc (09022015). Collection method: clinical testing. Allele origin: germline.
Comment: This sequence change replaces valine, which is neutral and non-polar, with isoleucine, which is neutral and non-polar, at codon 116 of the ZCCHC8 protein (p.Val116Ile). This variant is present in population databases (rs780760147, gnomAD 0.03%). This variant has not been reported in the literature in individuals affected with ZCCHC8-related conditions. ClinVar contains an entry for this variant (Variation ID: 1913488). Invitae Evidence Modeling of protein sequence and biophysical properties (such as structural, functional, and spatial information, amino acid conservation, physicochemical variation, residue mobility, and thermodynamic stability) indicates that this missense variant is not expected to disrupt ZCCHC8 protein function with a negative predictive value of 80%. In summary, the available evidence is currently insufficient to determine the role of this variant in disease. Therefore, it has been classified as a Variant of Uncertain Significance.

Ambry Genetics
Classification: Uncertain significance. Last evaluated: 2025-10-17. Review status: criteria provided, single submitter. Criteria: Ambry Variant Classification Scheme 2023. Collection method: clinical testing. Allele origin: germline.

NM_017612.5(ZCCHC8):c.346G>A (p.Val116Ile)

Gene: ZCCHC8 (zinc finger CCHC-type containing 8; minus strand). Cytogenetic location: 12q24.31.
Variant type: single nucleotide variant.
Coding change: c.346G>A on transcript NM_017612.5 (MANE Select); coding-DNA position 346, G replaced by A.
Protein change: p.Val116Ile; replaces valine 116 with isoleucine.
Molecular consequence: missense variant. On other transcripts: 5 prime UTR variant (1), intron variant (1).
Genome position (GRCh38, 1-based): chr12:122,490,539, C>T on the plus strand (G>A on the coding strand, the complement: ZCCHC8 is on the minus strand). VCF-style: chr12-122490539-C-T. GRCh37 (hg19) VCF-style: chr12-122975086-C-T.
Other names: c.346G>A, p.Val116Ile (NM_001350935.2); c.49G>A, p.Val17Ile (NM_001350936.2); c.-199G>A (NM_001350937.2); c.-121-1076G>A (NM_001350938.2); c.346G>A (NM_017612.3); short protein forms V116I, V17I.
Identifiers: ClinVar variation 1913488 (VCV001913488.6), dbSNP rs780760147, ClinGen allele CA6846472.
Genomic context (GRCh38, chr12:122,490,539, plus strand): 5'-AGGAAGTCTTTTCCACATCATTTTTCTGCTGTTCCTCAAATCTTTTTACTAAATTTGATA[C>T]AAATTCCTCTATTTCTTGATGATATTGCCTGTGTAAGAGGACAAAATGGTCAGAACCCAG-3'
Protein context (NP_060082.2, residues 106-126): KQYHQEIEEF[Val116Ile]SNLVKRFEEQ